The following is an entry in ClinVar:

NM_020832.3(ZNF687):c.3220-3C>T

Gene: ZNF687 (zinc finger protein 687; plus strand). Cytogenetic location: 1q21.3.
Variant type: single nucleotide variant.
Coding change: c.3220-3C>T on transcript NM_020832.3 (MANE Select); 3 bases into the intron before coding-DNA position 3220, C replaced by T.
Molecular consequence: intron variant.
Genome position (GRCh38, 1-based): chr1:151,290,712, C>T. VCF-style: chr1-151290712-C-T. GRCh37 (hg19) VCF-style: chr1-151263188-C-T.
Other names: c.3220-3C>T (NM_001304764.2, NM_001304763.2).
Identifiers: ClinVar variation 2023477 (VCV002023477.4), dbSNP rs2528549776, ClinGen allele CA2573902079.

ClinVar aggregate classification (germline): Uncertain significance (1 of 4 stars; one submission).

Allele frequency attached by ClinVar (database versions not stated): gnomAD exomes below 0.00001.
gnomAD v4.1: 5 of 1,593,796 alleles (0.00031%); highest among the groups gnomAD compares: Non-Finnish European, 0.00043%; no homozygotes.

Submission:

Labcorp Genetics (formerly Invitae), Labcorp
Classification: Uncertain significance. Last evaluated: 2022-08-22. Review status: criteria provided, single submitter. Criteria: Invitae Variant Classification Sherloc (09022015). Collection method: clinical testing. Allele origin: germline.
Comment: In summary, the available evidence is currently insufficient to determine the role of this variant in disease. Therefore, it has been classified as a Variant of Uncertain Significance. Variants that disrupt the consensus splice site are a relatively common cause of aberrant splicing (PMID: 17576681, 9536098). Algorithms developed to predict the effect of sequence changes on RNA splicing suggest that this variant is not likely to affect RNA splicing. This variant has not been reported in the literature in individuals affected with ZNF687-related conditions. This variant is not present in population databases (gnomAD no frequency). This sequence change falls in intron 8 of the ZNF687 gene. It does not directly change the encoded amino acid sequence of the ZNF687 protein. It affects a nucleotide within the consensus splice site.

Literature cited by the submitters: PubMed 17576681; PubMed 9536098.